The following is an entry in ClinVar:

NM_014804.3(KIAA0753):c.2377C>T (p.Arg793Cys)

Gene: KIAA0753 (KIAA0753; minus strand). Cytogenetic location: 17p13.1.
Variant type: single nucleotide variant.
Coding change: c.2377C>T on transcript NM_014804.3 (MANE Select); coding-DNA position 2377, C replaced by T.
Protein change: p.Arg793Cys; replaces arginine 793 with cysteine.
Molecular consequence: missense variant. On other transcripts: non-coding transcript variant (3).
Genome position (GRCh38, 1-based): chr17:6,595,035, G>A on the plus strand (C>T on the coding strand, the complement: KIAA0753 is on the minus strand). VCF-style: chr17-6595035-G-A. GRCh37 (hg19) VCF-style: chr17-6498355-G-A.
Other names: c.1480C>T, p.Arg494Cys (NM_001351225.2); short protein forms R793C, R494C.
Identifiers: ClinVar variation 2977808 (VCV002977808.3), dbSNP rs769840990, ClinGen allele CA8330161.

ClinVar aggregate classification (germline): Uncertain significance (1 of 4 stars; one submission).

Allele frequency attached by ClinVar (database versions not stated): ExAC 0.00002; gnomAD 0.00003; TOPMed 0.00003; gnomAD exomes 0.00007.
gnomAD v4.1: 105 of 1,607,168 alleles (0.0065%); highest among the groups gnomAD compares: Non-Finnish European, 0.008%; no homozygotes.

Submission:

Labcorp Genetics (formerly Invitae), Labcorp
Classification: Uncertain significance. Last evaluated: 2023-10-19. Review status: criteria provided, single submitter. Criteria: Invitae Variant Classification Sherloc (09022015). Collection method: clinical testing. Allele origin: germline.
Comment: This sequence change replaces arginine, which is basic and polar, with cysteine, which is neutral and slightly polar, at codon 793 of the KIAA0753 protein (p.Arg793Cys). This variant is present in population databases (rs769840990, gnomAD 0.007%). This variant has not been reported in the literature in individuals affected with KIAA0753-related conditions. An algorithm developed to predict the effect of missense changes on protein structure and function (PolyPhen-2) suggests that this variant is likely to be disruptive. In summary, the available evidence is currently insufficient to determine the role of this variant in disease. Therefore, it has been classified as a Variant of Uncertain Significance.